The following is an entry in ClinVar:

NM_016203.4(PRKAG2):c.1241A>T (p.Asp414Val)

Gene: PRKAG2 (protein kinase AMP-activated non-catalytic subunit gamma 2; minus strand). Cytogenetic location: 7q36.1.
Variant type: single nucleotide variant.
Coding change: c.1241A>T on transcript NM_016203.4 (MANE Select); coding-DNA position 1241, A replaced by T.
Protein change: p.Asp414Val; replaces aspartic acid 414 with valine.
Molecular consequence: missense variant.
Genome position (GRCh38, 1-based): chr7:151,565,878, T>A on the plus strand (A>T on the coding strand, the complement: PRKAG2 is on the minus strand). VCF-style: chr7-151565878-T-A. GRCh37 (hg19) VCF-style: chr7-151262964-T-A.
Other names: c.1109A>T, p.Asp370Val (NM_001040633.2, NM_001407024.1); c.866A>T, p.Asp289Val (NM_001304527.2, NM_001407029.1); c.518A>T, p.Asp173Val (NM_001304531.2, NM_001407034.1, NM_001407035.1 and 1 more transcripts); c.869A>T, p.Asp290Val (NM_001363698.2, NM_001407028.1); c.1241A>T, p.Asp414Val (NM_001407021.1); c.1238A>T, p.Asp413Val (NM_001407022.1, NM_001407023.1); c.1106A>T, p.Asp369Val (NM_001407026.1, NM_001407027.1); c.953A>T, p.Asp318Val (NM_001407030.1); and 6 more; short protein forms D306V, D317V, D318V, D414V, D172V, D193V, D289V, D290V.
Identifiers: ClinVar variation 3393772 (VCV003393772.1).

ClinVar aggregate classification (germline): Uncertain significance (1 of 4 stars; one submission).

Submission:

GeneDx
Classification: Uncertain significance. Last evaluated: 2024-07-03. Review status: criteria provided, single submitter. Criteria: GeneDx Variant Classification Process June 2021. Collection method: clinical testing. Allele origin: germline. Affected: yes.
Comment: Not observed at significant frequency in large population cohorts (gnomAD); In silico analysis supports that this missense variant has a deleterious effect on protein structure/function; Has not been previously published as pathogenic or benign to our knowledge